The following is an entry in ClinVar:

NM_001110556.2(FLNA):c.484G>A (p.Glu162Lys)

Gene: FLNA (filamin A; minus strand). Cytogenetic location: Xq28.
Variant type: single nucleotide variant.
Coding change: c.484G>A on transcript NM_001110556.2 (MANE Select); coding-DNA position 484, G replaced by A.
Protein change: p.Glu162Lys; replaces glutamic acid 162 with lysine.
Molecular consequence: missense variant.
Genome position (GRCh38, 1-based): chrX:154,367,980, C>T on the plus strand (G>A on the coding strand, the complement: FLNA is on the minus strand). VCF-style: chrX-154367980-C-T. GRCh37 (hg19) VCF-style: chrX-153596348-C-T.
Other names: c.484G>A, p.Glu162Lys (NM_001456.4); short protein forms E162K.
Identifiers: ClinVar variation 2950675 (VCV002950675.3), dbSNP rs2067775717, ClinGen allele CA415250106.

ClinVar aggregate classification (germline): Uncertain significance (1 of 4 stars; one submission).

Conditions:
Heterotopia, periventricular, X-linked dominant (PVNH1). Also called: PERIVENTRICULAR NODULAR HETEROTOPIA 1; X-linked periventricular heterotopia; PERIVENTRICULAR NODULAR HETEROTOPIA 4; HETEROTOPIA, PERIVENTRICULAR, 1. Identifiers: Orphanet 2149, Orphanet 82004, MedGen C1848213, MONDO:0010233, OMIM 300049.
Melnick-Needles syndrome (MNS). Also called: Melnick-Needles Syndrome (FLNA-MNS); MELNICK-NEEDLES OSTEODYSPLASTY; OSTEODYSPLASTY OF MELNICK AND NEEDLES. Identifiers: Orphanet 2484, MedGen C0025237, MONDO:0010650, OMIM 309350.
Frontometaphyseal dysplasia (FMD1). Identifiers: Orphanet 1826, MedGen C0265293, MONDO:0015942.
Oto-palato-digital syndrome, type II (OPD2). Also called: Otopalatodigital Syndrome Type 2 (FLNA-OPD2); FACIOPALATOOSSEOUS SYNDROME; OPD II SYNDROME; Otopalatodigital Syndrome, Type II. Identifiers: Orphanet 669, Orphanet 90652, MedGen C1844696, MONDO:0010571, OMIM 304120.

Allele frequency attached by ClinVar (database versions not stated): gnomAD 0.00001.
gnomAD v4.1: 1 of 1,208,816 alleles (0.000083%); highest among the groups gnomAD compares: Non-Finnish European, 0.00011%; no homozygotes.

Submission:

Labcorp Genetics (formerly Invitae), Labcorp
Classification: Uncertain significance for Oto-palato-digital syndrome, type II; Heterotopia, periventricular, X-linked dominant; Frontometaphyseal dysplasia; Melnick-Needles syndrome. Last evaluated: 2023-08-04. Review status: criteria provided, single submitter. Criteria: Invitae Variant Classification Sherloc (09022015). Collection method: clinical testing. Allele origin: germline.
Comment: In summary, the available evidence is currently insufficient to determine the role of this variant in disease. Therefore, it has been classified as a Variant of Uncertain Significance. Advanced modeling of protein sequence and biophysical properties (such as structural, functional, and spatial information, amino acid conservation, physicochemical variation, residue mobility, and thermodynamic stability) performed at Invitae indicates that this missense variant is not expected to disrupt FLNA protein function. This variant has not been reported in the literature in individuals affected with FLNA-related conditions. This variant is not present in population databases (gnomAD no frequency). This sequence change replaces glutamic acid, which is acidic and polar, with lysine, which is basic and polar, at codon 162 of the FLNA protein (p.Glu162Lys).